The following is an entry in ClinVar:

NM_000059.4(BRCA2):c.1135G>A (p.Gly379Arg)

Gene: BRCA2 (BRCA2 DNA repair associated; plus strand). Cytogenetic location: 13q13.1.
Variant type: single nucleotide variant.
Coding change: c.1135G>A on transcript NM_000059.4 (MANE Select); coding-DNA position 1135, G replaced by A.
Protein change: p.Gly379Arg; replaces glycine 379 with arginine.
Molecular consequence: missense variant. On other transcripts: non-coding transcript variant (1), intron variant (1).
Genome position (GRCh38, 1-based): chr13:32,332,613, G>A. VCF-style: chr13-32332613-G-A. GRCh37 (hg19) VCF-style: chr13-32906750-G-A.
Other names: c.1135G>A, p.Gly379Arg (NM_001406719.1, NM_001406720.1, NM_001406721.1); c.424+1583G>A (NM_001406722.1); short protein forms G379R.
Identifiers: ClinVar variation 2774880 (VCV002774880.3), dbSNP rs746871759, ClinGen allele CA6940490.

ClinVar aggregate classification (germline): Conflicting classifications of pathogenicity. Review status: criteria provided, conflicting classifications (1 of 4 stars). 2 submissions from 2 submitters: Uncertain significance (1); Likely benign (1). Last evaluated 2026-07-06.

Conditions:
Hereditary cancer-predisposing syndrome. Also called: Hereditary Cancer Syndrome; Hereditary neoplastic syndrome; Neoplastic Syndromes, Hereditary; Tumor predisposition. Identifiers: Orphanet 140162, MedGen C0027672, MeSH D009386, MONDO:0015356.

Allele frequency attached by ClinVar (database versions not stated): ExAC 0.00001.

Submissions (2):

Ambry Genetics
Classification: Likely benign for Hereditary cancer-predisposing syndrome. Last evaluated: 2026-07-06. Review status: criteria provided, single submitter. Criteria: Ambry Variant Classification Scheme 2023. Collection method: clinical testing. Allele origin: germline.

Color Diagnostics, LLC DBA Color Health
Classification: Uncertain significance for Hereditary cancer-predisposing syndrome. Last evaluated: 2022-07-11. Review status: criteria provided, single submitter. Criteria: ACMG Guidelines, 2015. Collection method: clinical testing. Allele origin: germline.
Comment: This missense variant replaces glycine with arginine at codon 379 of the BRCA2 protein. Computational prediction suggests that this variant may not impact protein structure and function (internally defined REVEL score threshold <= 0.5, PMID: 27666373). To our knowledge, functional studies have not been reported for this variant. This variant has not been reported in individuals affected with hereditary cancer in the literature. This variant has not been identified in the general population by the Genome Aggregation Database (gnomAD). The available evidence is insufficient to determine the role of this variant in disease conclusively. Therefore, this variant is classified as a Variant of Uncertain Significance.